The following is an entry in ClinVar:

NM_000384.3(APOB):c.8594del (p.Asn2865fs)

Gene: APOB (apolipoprotein B; minus strand). Cytogenetic location: 2p24.1.
Variant type: Deletion.
Coding change: c.8594del on transcript NM_000384.3 (MANE Select); coding-DNA position 8594, one base deleted (A; older notation c.8594delA).
Protein change: p.Asn2865fs; shifts the reading frame from asparagine 2865.
Molecular consequence: frameshift variant.
Genome position (GRCh38, 1-based): chr2:21,008,274, T deleted on the plus strand (A on the coding strand, the reverse complement: APOB is on the minus strand); the first of 7 consecutive T bases (chr2:21,008,274-21,008,280); deleting any one gives the same sequence. VCF-style (leftmost placement, unchanged base first): chr2-21008273-AT-A. GRCh37 (hg19) VCF-style: chr2-21231145-AT-A.
Other names: short protein forms N2865fs.
Identifiers: ClinVar variation 2930593 (VCV002930593.3), dbSNP rs1271191797, ClinGen allele CA2576686519.

ClinVar aggregate classification (germline): Pathogenic (1 of 4 stars; one submission).

Conditions:
Hypercholesterolemia, autosomal dominant, type B (FHCL2). Also called: APOB-Related Familial Hypercholesterolemia, Autosomal Dominant; Familial Hypercholesterolemia Type B; APOLIPOPROTEIN B-100, FAMILIAL DEFECTIVE; APOLIPOPROTEIN B-100, FAMILIAL LIGAND-DEFECTIVE; HYPERCHOLESTEROLEMIA, FAMILIAL, DUE TO LIGAND-DEFECTIVE APOLIPOPROTEIN B; Hyperlipoproteinemia Type IIb. Identifiers: MedGen C1704417, MONDO:0007751, OMIM 144010.
Familial hypobetalipoproteinemia 1. Also called: Hypobetalipoproteinemia, normotriglyceridemic; Acanthocytosis with hypobetalipoproteinemia; APOB-Related Familial Hypobetalipoproteinemia. Identifiers: MedGen C4551990, MONDO:0014252, OMIM 615558.

Submission:

Labcorp Genetics (formerly Invitae), Labcorp
Classification: Pathogenic for Familial hypobetalipoproteinemia 1; Hypercholesterolemia, autosomal dominant, type B. Last evaluated: 2023-08-01. Review status: criteria provided, single submitter. Criteria: Invitae Variant Classification Sherloc (09022015). Collection method: clinical testing. Allele origin: germline.
Comment: This variant has not been reported in the literature in individuals affected with APOB-related conditions. For these reasons, this variant has been classified as Pathogenic. This variant is not present in population databases (gnomAD no frequency). This sequence change creates a premature translational stop signal (p.Asn2865Ilefs*9) in the APOB gene. It is expected to result in an absent or disrupted protein product. Loss-of-function variants in APOB are known to be pathogenic (PMID: 20032471).

Literature cited by the submitters: PubMed 20032471.